The following is an entry in ClinVar:

ClinVar aggregate classification (germline): Likely benign (0 of 4 stars; one submission).

Conditions:
SEMA3G-related disorder. Also called: SEMA3G-related condition.

Allele frequency attached by ClinVar (database versions not stated): TOPMed 0.00002; ExAC 0.00003; gnomAD 0.00003; ESP Exome Variant Server 0.00008.
gnomAD v4.1: 71 of 1,612,762 alleles (0.0044%); highest among the groups gnomAD compares: Non-Finnish European, 0.0051%; no homozygotes.

Submission:

PreventionGenetics, part of Exact Sciences
Classification: Likely benign for SEMA3G-related condition. Last evaluated: 2023-12-15. Review status: no assertion criteria provided. Collection method: clinical testing. Allele origin: germline.
Comment: This variant is classified as likely benign based on ACMG/AMP sequence variant interpretation guidelines (Richards et al. 2015 PMID: 25741868, with internal and published modifications).

NM_020163.3(SEMA3G):c.810C>T (p.Cys270=)

Gene: SEMA3G (semaphorin 3G; minus strand). Cytogenetic location: 3p21.1.
Variant type: single nucleotide variant.
Coding change: c.810C>T on transcript NM_020163.3 (MANE Select); coding-DNA position 810, C replaced by T.
Protein change: p.Cys270=; no amino-acid change (cysteine 270 retained).
Molecular consequence: synonymous variant.
Genome position (GRCh38, 1-based): chr3:52,441,267, G>A on the plus strand (C>T on the coding strand, the complement: SEMA3G is on the minus strand). VCF-style: chr3-52441267-G-A. GRCh37 (hg19) VCF-style: chr3-52475283-G-A.
Identifiers: ClinVar variation 3032077 (VCV003032077.2), dbSNP rs148318432, ClinGen allele CA2438208.